The following is an entry in ClinVar:

ClinVar aggregate classification (germline): Uncertain significance (1 of 4 stars; one submission).

Conditions:
Hereditary cancer-predisposing syndrome. Also called: Neoplastic Syndromes, Hereditary; Hereditary Cancer Syndrome; Tumor predisposition; Hereditary neoplastic syndrome. Identifiers: Orphanet 140162, MedGen C0027672, MeSH D009386, MONDO:0015356.

gnomAD v4.1: 1 of 1,614,188 alleles (0.000062%); highest among the groups gnomAD compares: Non-Finnish European, 0.000085%; no homozygotes.

Submission:

Ambry Genetics
Classification: Uncertain significance for Hereditary cancer-predisposing syndrome. Last evaluated: 2025-02-16. Review status: criteria provided, single submitter. Criteria: Ambry Variant Classification Scheme 2023. Collection method: clinical testing. Allele origin: germline.
Comment: The p.T696S variant (also known as c.2087C>G), located in coding exon 14 of the PTCH1 gene, results from a C to G substitution at nucleotide position 2087. The threonine at codon 696 is replaced by serine, an amino acid with similar properties. This amino acid position is conserved. In addition, this alteration is predicted to be tolerated by in silico analysis. Based on the available evidence, the clinical significance of this variant remains unclear.

NM_000264.5(PTCH1):c.2087C>G (p.Thr696Ser)

Genes: PTCH1 (patched 1; minus strand), LOC100507346 (uncharacterized LOC100507346; plus strand). Cytogenetic location: 9q22.32.
Variant type: single nucleotide variant.
Coding change: c.2087C>G on transcript NM_000264.5 (MANE Select); coding-DNA position 2087, C replaced by G.
Protein change: p.Thr696Ser; replaces threonine 696 with serine.
Molecular consequence: missense variant. On other transcripts: non-coding transcript variant (2).
Genome position (GRCh38, 1-based): chr9:95,468,914, G>C on the plus strand (C>G on the coding strand, the complement: PTCH1 is on the minus strand). VCF-style: chr9-95468914-G-C. GRCh37 (hg19) VCF-style: chr9-98231196-G-C.
Other names: c.1889C>G, p.Thr630Ser (NM_001083602.3); c.2084C>G, p.Thr695Ser (NM_001083603.3); c.1634C>G, p.Thr545Ser (NM_001083604.3, NM_001083605.3, NM_001083606.3 and 1 more transcripts); c.1931C>G, p.Thr644Ser (NM_001354918.2); short protein forms T630S, T696S, T644S, T545S, T695S.
Identifiers: ClinVar variation 3784577 (VCV003784577.1).